The following is an entry in ClinVar:

ClinVar aggregate classification (germline): Likely benign (1 of 4 stars; one submission).

gnomAD v4.1: 339 of 1,606,470 alleles (0.021%); highest among the groups gnomAD compares: East Asian, 0.041%; no homozygotes.

Submission:

CeGaT Center for Human Genetics Tuebingen
Classification: Likely benign. Last evaluated: 2026-02-01. Review status: criteria provided, single submitter. Criteria: CeGaT Center For Human Genetics Tuebingen Variant Classification Criteria Version 2. Collection method: clinical testing. Allele origin: germline. Affected: yes. Observed: 1 variant allele.
Comment: EED: BP4

NM_003797.5(EED):c.-20C>T

Gene: EED (embryonic ectoderm development; plus strand). Cytogenetic location: 11q14.2.
Variant type: single nucleotide variant.
Coding change: c.-20C>T on transcript NM_003797.5 (MANE Select); 20 bases upstream of the start codon, C replaced by T.
Molecular consequence: 5 prime UTR variant.
Genome position (GRCh38, 1-based): chr11:86,245,210, C>T. VCF-style: chr11-86245210-C-T. GRCh37 (hg19) VCF-style: chr11-85956252-C-T.
Other names: c.-20C>T (NM_001308007.2, NM_001330334.2, NM_001440586.1 and 15 more transcripts).
Identifiers: ClinVar variation 4821395 (VCV004821395.4).